The following is an entry in ClinVar:

ClinVar aggregate classification (germline): Uncertain significance. Review status: criteria provided, multiple submitters, no conflicts (2 of 4 stars). 2 submissions from 2 submitters: Uncertain significance (2). Last evaluated 2024-03-11.

Conditions:
Fumarase deficiency (FMRD). Also called: Fumarate Hydratase Deficiency; Fumaric aciduria. Identifiers: Orphanet 24, MedGen C0342770, MONDO:0011730, OMIM 606812.

Submissions (2):

Baylor Genetics
Classification: Uncertain significance for Fumarase deficiency. Last evaluated: 2024-03-11. Review status: criteria provided, single submitter. Criteria: ACMG Guidelines, 2015. Collection method: clinical testing. Allele origin: unknown.

Labcorp Genetics (formerly Invitae), Labcorp
Classification: Uncertain significance. Last evaluated: 2022-03-23. Review status: criteria provided, single submitter. Criteria: Invitae Variant Classification Sherloc (09022015). Collection method: clinical testing. Allele origin: germline.
Comment: This sequence change replaces asparagine, which is neutral and polar, with lysine, which is basic and polar, at codon 406 of the FH protein (p.Asn406Lys). This variant is not present in population databases (gnomAD no frequency). This variant has not been reported in the literature in individuals affected with FH-related conditions. Advanced modeling of protein sequence and biophysical properties (such as structural, functional, and spatial information, amino acid conservation, physicochemical variation, residue mobility, and thermodynamic stability) performed at Invitae indicates that this missense variant is expected to disrupt FH protein function. In summary, the available evidence is currently insufficient to determine the role of this variant in disease. Therefore, it has been classified as a Variant of Uncertain Significance.

NM_000143.4(FH):c.1218T>A (p.Asn406Lys)

Gene: FH (fumarate hydratase; minus strand). Cytogenetic location: 1q43.
Variant type: single nucleotide variant.
Coding change: c.1218T>A on transcript NM_000143.4 (MANE Select); coding-DNA position 1218, T replaced by A.
Protein change: p.Asn406Lys; replaces asparagine 406 with lysine.
Molecular consequence: missense variant.
Genome position (GRCh38, 1-based): chr1:241,502,461, A>T on the plus strand (T>A on the coding strand, the complement: FH is on the minus strand). VCF-style: chr1-241502461-A-T. GRCh37 (hg19) VCF-style: chr1-241665761-A-T.
Other names: short protein forms N406K.
Identifiers: ClinVar variation 2115916 (VCV002115916.5), dbSNP rs2527316528, ClinGen allele CA345437284.